The following is an entry in ClinVar:

NM_004453.4(ETFDH):c.1810G>A (p.Val604Met)

Gene: ETFDH (electron transfer flavoprotein dehydrogenase; plus strand). Cytogenetic location: 4q32.1.
Variant type: single nucleotide variant.
Coding change: c.1810G>A on transcript NM_004453.4 (MANE Select); coding-DNA position 1810, G replaced by A.
Protein change: p.Val604Met; replaces valine 604 with methionine.
Molecular consequence: missense variant.
Genome position (GRCh38, 1-based): chr4:158,708,483, G>A. VCF-style: chr4-158708483-G-A. GRCh37 (hg19) VCF-style: chr4-159629635-G-A.
Other names: c.1669G>A, p.Val557Met (NM_001281737.2); c.1627G>A, p.Val543Met (NM_001281738.1); short protein forms V557M, V604M, V543M.
Identifiers: ClinVar variation 1513334 (VCV001513334.9), dbSNP rs1436514087, ClinGen allele CA358566887.

ClinVar aggregate classification (germline): Conflicting classifications of pathogenicity. Review status: criteria provided, conflicting classifications (1 of 4 stars). 2 submissions from 2 submitters: Likely pathogenic (1); Uncertain significance (1). Last evaluated 2025-11-11.

Conditions:
Multiple acyl-CoA dehydrogenase deficiency (MADD). Also called: ETHYLMALONIC-ADIPICACIDURIA; GA II; Glutaric acidemia type II; GA 2; Glutaric Acidemia type 2; Glutaric aciduria, type 2. Identifiers: Orphanet 26791, MedGen C0268596, MONDO:0009282, OMIM 231680.

gnomAD v4.1: 1 of 1,613,572 alleles (0.000062%); no homozygotes.

Submissions (2):

Women's Health and Genetics/Laboratory Corporation of America, LabCorp
Classification: Uncertain significance. Last evaluated: 2025-11-11. Review status: criteria provided, single submitter. Criteria: LabCorp Variant Classification Summary - May 2015. Collection method: clinical testing. Allele origin: germline.
Comment: Variant summary: ETFDH c.1810G>A (p.Val604Met) results in a conservative amino acid change in the encoded protein sequence. Algorithms developed to predict the effect of missense changes on protein structure and function are either unavailable or do not agree on the potential impact of this missense change. The variant was absent in 251408 control chromosomes. The available data on variant occurrences in the general population are insufficient to allow any conclusion about variant significance. To our knowledge, no occurrence of c.1810G>A in individuals affected with ETFDH-related conditions and no experimental evidence demonstrating its impact on protein function have been reported. ClinVar contains an entry for this variant (Variation ID: 1513334). Based on the evidence outlined above, the variant was classified as uncertain significance.

Labcorp Genetics (formerly Invitae), Labcorp
Classification: Likely pathogenic for Multiple acyl-CoA dehydrogenase deficiency. Last evaluated: 2022-08-31. Review status: criteria provided, single submitter. Criteria: Invitae Variant Classification Sherloc (09022015). Collection method: clinical testing. Allele origin: germline.
Comment: In summary, the currently available evidence indicates that the variant is pathogenic, but additional data are needed to prove that conclusively. Therefore, this variant has been classified as Likely Pathogenic. This variant disrupts the p.Val604 amino acid residue in ETFDH. Other variant(s) that disrupt this residue have been determined to be pathogenic (PMID: 24522293). This suggests that this residue is clinically significant, and that variants that disrupt this residue are likely to be disease-causing. Advanced modeling of protein sequence and biophysical properties (such as structural, functional, and spatial information, amino acid conservation, physicochemical variation, residue mobility, and thermodynamic stability) performed at Invitae indicates that this missense variant is expected to disrupt ETFDH protein function. ClinVar contains an entry for this variant (Variation ID: 1513334). This variant has not been reported in the literature in individuals affected with ETFDH-related conditions. This variant is not present in population databases (gnomAD no frequency). This sequence change replaces valine, which is neutral and non-polar, with methionine, which is neutral and non-polar, at codon 604 of the ETFDH protein (p.Val604Met).

Literature cited by the submitters: PubMed 24522293 (cited by Labcorp Genetics (formerly Invitae), Labcorp).